The following is an entry in ClinVar:

ClinVar aggregate classification (germline): Uncertain significance. Review status: criteria provided, multiple submitters, no conflicts (2 of 4 stars). 2 submissions from 2 submitters: Uncertain significance (2). Last evaluated 2025-10-09.

Conditions:
Genitopatellar syndrome (GTPTS). Also called: Genitopatellar syndrome (GPS); ABSENT PATELLAE, SCROTAL HYPOPLASIA, RENAL ANOMALIES, FACIAL DYSMORPHISM, AND MENTAL RETARDATION. Identifiers: Orphanet 85201, MedGen C1853566, MONDO:0011640, OMIM 606170.

gnomAD v4.1: 35 of 1,614,118 alleles (0.0022%); highest among the groups gnomAD compares: East Asian, 0.078%; no homozygotes.

Submissions (2):

Labcorp Genetics (formerly Invitae), Labcorp
Classification: Uncertain significance for Genitopatellar syndrome. Last evaluated: 2025-10-09. Review status: criteria provided, single submitter. Criteria: Invitae Variant Classification Sherloc (09022015). Collection method: clinical testing. Allele origin: germline.
Comment: This sequence change replaces glutamic acid, which is acidic and polar, with lysine, which is basic and polar, at codon 1206 of the KAT6B protein (p.Glu1206Lys). This variant is present in population databases (rs769108909, gnomAD 0.08%), and has an allele count higher than expected for a pathogenic variant. This variant has not been reported in the literature in individuals affected with KAT6B-related conditions. Invitae Evidence Modeling of protein sequence and biophysical properties (such as structural, functional, and spatial information, amino acid conservation, physicochemical variation, residue mobility, and thermodynamic stability) indicates that this missense variant is not expected to disrupt KAT6B protein function with a negative predictive value of 80%. In summary, the available evidence is currently insufficient to determine the role of this variant in disease. Therefore, it has been classified as a Variant of Uncertain Significance.

Women's Health and Genetics/Laboratory Corporation of America, LabCorp
Classification: Uncertain significance. Last evaluated: 2025-09-10. Review status: criteria provided, single submitter. Criteria: LabCorp Variant Classification Summary - May 2015. Collection method: clinical testing. Allele origin: germline.
Comment: Variant summary: KAT6B c.3616G>A (p.Glu1206Lys) results in a conservative amino acid change in the encoded protein sequence. Algorithms developed to predict the effect of missense changes on protein structure and function are either unavailable or do not agree on the potential impact of this missense change. The variant allele was found at a frequency of 5.2e-05 in 251190 control chromosomes. This frequency is not significantly higher than estimated for disease-causing variants in KAT6B, allowing no conclusion about variant significance. To our knowledge, no occurrence of c.3616G>A in individuals affected with KAT6B-related conditions and no experimental evidence demonstrating its impact on protein function have been reported. No submitters have cited clinical-significance assessments for this variant to ClinVar. Based on the evidence outlined above, the variant was classified as uncertain significance.

NM_012330.4(KAT6B):c.3616G>A (p.Glu1206Lys)

Gene: KAT6B (lysine acetyltransferase 6B; plus strand). Cytogenetic location: 10q22.2.
Variant type: single nucleotide variant.
Coding change: c.3616G>A on transcript NM_012330.4 (MANE Select); coding-DNA position 3616, G replaced by A.
Protein change: p.Glu1206Lys; replaces glutamic acid 1206 with lysine.
Molecular consequence: missense variant.
Genome position (GRCh38, 1-based): chr10:75,025,201, G>A. VCF-style: chr10-75025201-G-A. GRCh37 (hg19) VCF-style: chr10-76784959-G-A.
Other names: c.3067G>A, p.Glu1023Lys (NM_001256468.2, NM_001370138.1); c.2740G>A, p.Glu914Lys (NM_001256469.2, NM_001370139.1, NM_001370140.1 and 2 more transcripts); c.2578G>A, p.Glu860Lys (NM_001370132.1); c.1927G>A, p.Glu643Lys (NM_001370133.1); c.1531G>A, p.Glu511Lys (NM_001370134.1); c.1273G>A, p.Glu425Lys (NM_001370135.1); c.3616G>A, p.Glu1206Lys (NM_001370136.1, NM_001370137.1); c.2551G>A, p.Glu851Lys (NM_001370143.1, NM_001370144.1); short protein forms E1023K, E1206K, E425K, E511K, E643K, E851K, E860K, E914K.
Identifiers: ClinVar variation 4535619 (VCV004535619.2).